The following is an entry in ClinVar:

NM_024570.4(RNASEH2B):c.787A>G (p.Thr263Ala)

Gene: RNASEH2B (ribonuclease H2 subunit B; plus strand). Cytogenetic location: 13q14.3.
Variant type: single nucleotide variant.
Coding change: c.787A>G on transcript NM_024570.4 (MANE Select); coding-DNA position 787, A replaced by G.
Protein change: p.Thr263Ala; replaces threonine 263 with alanine.
Molecular consequence: missense variant. On other transcripts: intron variant (1).
Genome position (GRCh38, 1-based): chr13:50,953,950, A>G. VCF-style: chr13-50953950-A-G. GRCh37 (hg19) VCF-style: chr13-51528086-A-G.
Other names: p.Thr263Ala; c.741+4445A>G (NM_001142279.2); short protein forms T263A.
Identifiers: ClinVar variation 286394 (VCV000286394.19), dbSNP rs150363383, ClinGen allele CA6985708.

ClinVar aggregate classification (germline): Uncertain significance. Review status: criteria provided, multiple submitters, no conflicts (2 of 4 stars). 9 submissions from 9 submitters: Uncertain significance (7). 2 of the submissions do not count toward it. Last evaluated 2025-10-15.

Conditions:
Aicardi-Goutieres syndrome 2. Identifiers: Orphanet 51, MedGen C3489724, MONDO:0012429, OMIM 610181.

Allele frequency attached by ClinVar (database versions not stated): 1000 Genomes Project 30x 0.00016; 1000 Genomes Project 0.00020; ExAC 0.00024; gnomAD exomes 0.00032 and 0.00071; TOPMed 0.00042; gnomAD 0.00043; ESP Exome Variant Server 0.00077.
gnomAD v4.1: 1,075 of 1,607,826 alleles (0.067%); highest among the groups gnomAD compares: Non-Finnish European, 0.089%; 2 homozygotes.

Submissions (9):

Mayo Clinic Laboratories, Mayo Clinic
Classification: Uncertain significance. Last evaluated: 2025-10-15. Review status: criteria provided, single submitter. Criteria: ACMG Guidelines, 2015. Collection method: clinical testing. Allele origin: germline. Observed: 2 variant alleles.

Blueprint Genetics
Classification: Uncertain significance. Last evaluated: 2024-11-05. Review status: criteria provided, single submitter. Criteria: ACMG Guidelines, 2015. Collection method: clinical testing. Allele origin: germline.

Labcorp Genetics (formerly Invitae), Labcorp
Classification: Uncertain significance for Aicardi-Goutieres syndrome 2. Last evaluated: 2022-10-25. Review status: criteria provided, single submitter. Criteria: Invitae Variant Classification Sherloc (09022015). Collection method: clinical testing. Allele origin: germline.
Comment: This sequence change replaces threonine, which is neutral and polar, with alanine, which is neutral and non-polar, at codon 263 of the RNASEH2B protein (p.Thr263Ala). This variant is present in population databases (rs150363383, gnomAD 0.07%). This missense change has been observed in individual(s) with Aicardi Gouti√®res syndrome (PMID: 24183309). ClinVar contains an entry for this variant (Variation ID: 286394). Advanced modeling of protein sequence and biophysical properties (such as structural, functional, and spatial information, amino acid conservation, physicochemical variation, residue mobility, and thermodynamic stability) has been performed at Invitae for this missense variant, however the output from this modeling did not meet the statistical confidence thresholds required to predict the impact of this variant on RNASEH2B protein function. In summary, the available evidence is currently insufficient to determine the role of this variant in disease. Therefore, it has been classified as a Variant of Uncertain Significance.

Fulgent Genetics
Classification: Uncertain significance for Aicardi-Goutieres syndrome 2. Last evaluated: 2022-04-15. Review status: criteria provided, single submitter. Criteria: ACMG Guidelines, 2015. Collection method: clinical testing. Allele origin: unknown.

Women's Health and Genetics/Laboratory Corporation of America, LabCorp
Classification: Uncertain significance. Last evaluated: 2022-02-18. Review status: criteria provided, single submitter. Criteria: LabCorp Variant Classification Summary - May 2015. Collection method: clinical testing. Allele origin: germline.
Comment: Variant summary: RNASEH2B c.787A>G (p.Thr263Ala) results in a non-conservative amino acid change in the encoded protein sequence. Five of five in-silico tools predict a damaging effect of the variant on protein function. The variant allele was found at a frequency of 0.00032 in 250682 control chromosomes. This frequency is not significantly higher than expected for a pathogenic variant in RNASEH2B causing Aicardi Goutieres Syndrome (0.00032 vs 0.00067), allowing no conclusion about variant significance. c.787A>G has been reported in the literature in an individual affected with Aicardi Goutieres Syndrome (Rice_2013). This report does not provide unequivocal conclusions about association of the variant with Aicardi Goutieres Syndrome. To our knowledge, no experimental evidence demonstrating an impact on protein function has been reported. Three clinical diagnostic laboratories have submitted clinical-significance assessments for this variant to ClinVar after 2014 without evidence for independent evaluation. All laboratories classified the variant as uncertain significance. Based on the evidence outlined above, the variant was classified as uncertain significance.

Illumina Laboratory Services, Illumina
Classification: Uncertain significance for Aicardi-Goutieres syndrome 2. Last evaluated: 2018-01-13. Review status: criteria provided, single submitter. Criteria: ICSL Variant Classification Criteria 13 December 2019. Collection method: clinical testing. Allele origin: germline.

Eurofins Ntd Llc (ga)
Classification: Uncertain significance. Last evaluated: 2016-03-08. Review status: criteria provided, single submitter. Criteria: EGL Classification Definitions 2015. Collection method: clinical testing. Allele origin: germline. Observed: 1 variant allele, 1 heterozygote.

Clinical Genetics DNA and cytogenetics Diagnostics Lab, Erasmus MC, Erasmus Medical Center
Classification: Uncertain significance. Review status: no assertion criteria provided. Collection method: clinical testing. Allele origin: germline. Affected: yes. Study: VKGL Data-share Consensus. Not counted in ClinVar's aggregate classification.

Diagnostic Laboratory, Department of Genetics, University Medical Center Groningen
Classification: Uncertain significance. Review status: no assertion criteria provided. Collection method: clinical testing. Allele origin: germline. Affected: yes. Study: VKGL Data-share Consensus. Not counted in ClinVar's aggregate classification.

Literature cited by the submitters: PubMed 24183309 (cited by 4 submitters).